The following is an entry in ClinVar:

ClinVar aggregate classification (germline): Uncertain significance (1 of 4 stars; one submission).

Allele frequency attached by ClinVar (database versions not stated): gnomAD exomes below 0.00001.
gnomAD v4.1: 2 of 1,604,426 alleles (0.00012%); highest among the groups gnomAD compares: Non-Finnish European, 0.00017%; no homozygotes.

Submission:

Labcorp Genetics (formerly Invitae), Labcorp
Classification: Uncertain significance. Last evaluated: 2024-03-11. Review status: criteria provided, single submitter. Criteria: Invitae Variant Classification Sherloc (09022015). Collection method: clinical testing. Allele origin: germline.
Comment: This sequence change replaces histidine, which is basic and polar, with arginine, which is basic and polar, at codon 1559 of the NOTCH3 protein (p.His1559Arg). This variant is not present in population databases (gnomAD no frequency). This variant has not been reported in the literature in individuals affected with NOTCH3-related conditions. ClinVar contains an entry for this variant (Variation ID: 1401485). Advanced modeling of protein sequence and biophysical properties (such as structural, functional, and spatial information, amino acid conservation, physicochemical variation, residue mobility, and thermodynamic stability) performed at Invitae indicates that this missense variant is not expected to disrupt NOTCH3 protein function with a negative predictive value of 95%. In summary, the available evidence is currently insufficient to determine the role of this variant in disease. Therefore, it has been classified as a Variant of Uncertain Significance.

NM_000435.3(NOTCH3):c.4676A>G (p.His1559Arg)

Gene: NOTCH3 (notch receptor 3; minus strand). Cytogenetic location: 19p13.12.
Variant type: single nucleotide variant.
Coding change: c.4676A>G on transcript NM_000435.3 (MANE Select); coding-DNA position 4676, A replaced by G.
Protein change: p.His1559Arg; replaces histidine 1559 with arginine.
Molecular consequence: missense variant.
Genome position (GRCh38, 1-based): chr19:15,174,128, T>C on the plus strand (A>G on the coding strand, the complement: NOTCH3 is on the minus strand). VCF-style: chr19-15174128-T-C. GRCh37 (hg19) VCF-style: chr19-15284939-T-C.
Other names: short protein forms H1559R.
Identifiers: ClinVar variation 1401485 (VCV001401485.6), dbSNP rs2145408576, ClinGen allele CA404500123.
Genomic context (GRCh38, chr19:15,174,128, plus strand): 5'-CCGATCACCTCGGGGGCCAGCTCCCGACGGGCCCGGGGTTCGGAGCCAGGACTAGGCCGG[T>C]GGTAAGGGAAGACCATGGCCTGGCCGTGCGCGTCCAGGCGGAAGCGCAGCGAGGTGCGCA-3'
Protein context (NP_000426.2, residues 1549-1569): AHGQAMVFPY[His1559Arg]RPSPGSEPRA